The following is an entry in ClinVar:

NM_001378454.1(ALMS1):c.11308G>T (p.Asp3770Tyr)

Gene: ALMS1 (ALMS1 centrosome and basal body associated protein; plus strand). Cytogenetic location: 2p13.1.
Variant type: single nucleotide variant.
Coding change: c.11308G>T on transcript NM_001378454.1 (MANE Select); coding-DNA position 11308, G replaced by T.
Protein change: p.Asp3770Tyr; replaces aspartic acid 3770 with tyrosine.
Molecular consequence: missense variant.
Genome position (GRCh38, 1-based): chr2:73,573,185, G>T. VCF-style: chr2-73573185-G-T. GRCh37 (hg19) VCF-style: chr2-73800312-G-T.
Other names: c.11311G>T, p.Asp3771Tyr (NM_015120.4); short protein forms D3770Y, D3771Y.
Identifiers: ClinVar variation 2416500 (VCV002416500.4), dbSNP rs746414191, ClinGen allele CA1715162.

ClinVar aggregate classification (germline): Uncertain significance. Review status: criteria provided, multiple submitters, no conflicts (2 of 4 stars). 2 submissions from 2 submitters: Uncertain significance (2). Last evaluated 2026-06-12.

Conditions:
Cardiovascular phenotype. Identifiers: MedGen CN230736.
Alstrom syndrome (ALMS). Identifiers: Orphanet 64, MedGen C0268425, MONDO:0008763, OMIM 203800.

Allele frequency attached by ClinVar (database versions not stated): gnomAD exomes below 0.00001; ExAC 0.00001.
gnomAD v4.1: 2 of 1,612,758 alleles (0.00012%); highest among the groups gnomAD compares: Non-Finnish European, 0.00017%; no homozygotes.

Submissions (2):

Ambry Genetics
Classification: Uncertain significance for Cardiovascular phenotype. Last evaluated: 2026-06-12. Review status: criteria provided, single submitter. Criteria: Ambry Variant Classification Scheme 2023. Collection method: clinical testing. Allele origin: germline.
Comment: The p.D3771Y variant (also known as c.11311G>T), located in coding exon 16 of the ALMS1 gene, results from a G to T substitution at nucleotide position 11311. The aspartic acid at codon 3771 is replaced by tyrosine, an amino acid with highly dissimilar properties. This amino acid position is well conserved in available vertebrate species. In addition, the in silico prediction for this alteration is inconclusive. Based on the available evidence, the clinical significance of this variant remains unclear.

Labcorp Genetics (formerly Invitae), Labcorp
Classification: Uncertain significance for Alstrom syndrome. Last evaluated: 2022-02-01. Review status: criteria provided, single submitter. Criteria: Invitae Variant Classification Sherloc (09022015). Collection method: clinical testing. Allele origin: germline.
Comment: This sequence change replaces aspartic acid, which is acidic and polar, with tyrosine, which is neutral and polar, at codon 3771 of the ALMS1 protein (p.Asp3771Tyr). This variant is present in population databases (rs746414191, gnomAD 0.0009%). This variant has not been reported in the literature in individuals affected with ALMS1-related conditions. Experimental studies and prediction algorithms are not available or were not evaluated, and the functional significance of this variant is currently unknown. In summary, the available evidence is currently insufficient to determine the role of this variant in disease. Therefore, it has been classified as a Variant of Uncertain Significance.